The following is an entry in ClinVar:

NM_004722.4(AP4M1):c.920G>C (p.Gly307Ala)

Gene: AP4M1 (adaptor related protein complex 4 subunit mu 1; plus strand). Cytogenetic location: 7q22.1.
Variant type: single nucleotide variant.
Coding change: c.920G>C on transcript NM_004722.4 (MANE Select); coding-DNA position 920, G replaced by C.
Protein change: p.Gly307Ala; replaces glycine 307 with alanine.
Molecular consequence: missense variant.
Genome position (GRCh38, 1-based): chr7:100,105,530, G>C. VCF-style: chr7-100105530-G-C. GRCh37 (hg19) VCF-style: chr7-99703153-G-C.
Other names: c.941G>C, p.Gly314Ala (NM_001363671.2); short protein forms G307A, G314A.
Identifiers: ClinVar variation 1005831 (VCV001005831.13), dbSNP rs542768500, ClinGen allele CA4374860.

ClinVar aggregate classification (germline): Uncertain significance. Review status: criteria provided, multiple submitters, no conflicts (2 of 4 stars). 6 submissions from 6 submitters: Uncertain significance (3). 3 of the submissions do not count toward it. Last evaluated 2026-03-02.

Conditions:
Hereditary spastic paraplegia 50 (SPG50). Also called: Spastic paraplegia 50, autosomal recessive. Identifiers: Orphanet 280763, MedGen C2752008, MONDO:0013048, OMIM 612936.
Spastic paraplegia. Identifiers: MedGen C0037772, HP:0001258.

Allele frequency attached by ClinVar (database versions not stated): ExAC 0.00002; gnomAD exomes 0.00003 and 0.00007; gnomAD 0.00008 and 0.00009; TOPMed 0.00010.

Submissions (6):

GeneDx
Classification: Uncertain significance. Last evaluated: 2026-03-02. Review status: criteria provided, single submitter. Criteria: GeneDx Variant Classification Process June 2021. Collection method: clinical testing. Allele origin: germline.
Comment: Observed with a second AP4M1 variant in an individual with clinical features of hereditary spastic paraplegia in the published literature (PMID: 32979048); In silico analysis supports that this missense variant has a deleterious effect on protein structure/function; Not observed at significant frequency in large population cohorts (gnomAD); This variant is associated with the following publications: (PMID: 39723768, 32979048)

Labcorp Genetics (formerly Invitae), Labcorp
Classification: Uncertain significance for Hereditary spastic paraplegia 50. Last evaluated: 2024-04-22. Review status: criteria provided, single submitter. Criteria: Invitae Variant Classification Sherloc (09022015). Collection method: clinical testing. Allele origin: germline.
Comment: This sequence change replaces glycine, which is neutral and non-polar, with alanine, which is neutral and non-polar, at codon 307 of the AP4M1 protein (p.Gly307Ala). This variant is present in population databases (rs542768500, gnomAD 0.006%). This missense change has been observed in individual(s) with hereditary spastic paraplegia (PMID: 32979048). ClinVar contains an entry for this variant (Variation ID: 1005831). Advanced modeling of protein sequence and biophysical properties (such as structural, functional, and spatial information, amino acid conservation, physicochemical variation, residue mobility, and thermodynamic stability) performed at Invitae indicates that this missense variant is not expected to disrupt AP4M1 protein function with a negative predictive value of 80%. In summary, the available evidence is currently insufficient to determine the role of this variant in disease. Therefore, it has been classified as a Variant of Uncertain Significance.

Blueprint Genetics
Classification: Uncertain significance. Last evaluated: 2021-10-21. Review status: criteria provided, single submitter. Criteria: ACMG Guidelines, 2015. Collection method: clinical testing. Allele origin: germline.

Yale Center for Mendelian Genomics, Yale University
Classification: Likely pathogenic for Spastic paraplegia. Last evaluated: 2020-10-01. Review status: no assertion criteria provided. Collection method: literature only. Allele origin: germline. Affected: yes. Observed: 1 compound heterozygote. Study: Yale Center for Mendelian Genomics. Not counted in ClinVar's aggregate classification.

Clinical Genetics DNA and cytogenetics Diagnostics Lab, Erasmus MC, Erasmus Medical Center
Classification: Uncertain significance. Review status: no assertion criteria provided. Collection method: clinical testing. Allele origin: germline. Affected: yes. Study: VKGL Data-share Consensus. Not counted in ClinVar's aggregate classification.

Joint Genome Diagnostic Labs from Nijmegen and Maastricht, Radboudumc and MUMC+
Classification: Uncertain significance. Review status: no assertion criteria provided. Collection method: clinical testing. Allele origin: germline. Affected: yes. Study: VKGL Data-share Consensus. Not counted in ClinVar's aggregate classification.

Literature cited by the submitters: PubMed 32979048 (cited by Labcorp Genetics (formerly Invitae), Labcorp and Yale Center for Mendelian Genomics, Yale University).